The following is an entry in ClinVar:

NM_198904.4(GABRG2):c.108-182G>A

Gene: GABRG2 (gamma-aminobutyric acid type A receptor subunit gamma2; plus strand). Cytogenetic location: 5q34.
Variant type: single nucleotide variant.
Coding change: c.108-182G>A on transcript NM_198904.4 (MANE Select); 182 bases into the intron before coding-DNA position 108, G replaced by A.
Molecular consequence: intron variant.
Genome position (GRCh38, 1-based): chr5:162,093,646, G>A. VCF-style: chr5-162093646-G-A. GRCh37 (hg19) VCF-style: chr5-161520652-G-A.
Other names: c.108-182G>A (NM_000816.3, NM_001375343.1, NM_001375344.1 and 4 more transcripts); c.-178-182G>A (NM_001375349.1); c.-251-182G>A (NM_001375350.1, NM_001375348.1); c.108-191G>A (NM_001375339.1); c.42-182G>A (NM_001375346.1, NM_001375345.1); c.21-182G>A (NM_001375347.1).
Identifiers: ClinVar variation 680291 (VCV000680291.1), dbSNP rs146492172, ClinGen allele CA131111263.

ClinVar aggregate classification (germline): Likely benign (1 of 4 stars; one submission).

Allele frequency attached by ClinVar (database versions not stated): gnomAD 0.00849 and 0.00914; 1000 Genomes Project 0.00859; 1000 Genomes Project 30x 0.00906; TOPMed 0.00932.
gnomAD v4.1: 1,278 of 152,214 alleles (0.84%); highest among the groups gnomAD compares: African/African-American, 3%; 18 homozygotes.

Submission:

GeneDx
Classification: Likely benign. Last evaluated: 2018-06-19. Review status: criteria provided, single submitter. Criteria: GeneDx Variant Classification (06012015). Collection method: clinical testing. Allele origin: germline. Affected: yes.
Comment: This variant is considered likely benign or benign based on one or more of the following criteria: it is a conservative change, it occurs at a poorly conserved position in the protein, it is predicted to be benign by multiple in silico algorithms, and/or has population frequency not consistent with disease.